The following is an entry in ClinVar:

ClinVar aggregate classification (germline): Conflicting classifications of pathogenicity. Review status: criteria provided, conflicting classifications (1 of 4 stars). 3 submissions from 3 submitters: Likely pathogenic (2); Uncertain significance (1). Last evaluated 2024-05-04.

Conditions:
Autosomal recessive Parkinson disease 14. Also called: PARKINSON DISEASE 14; DYSTONIA-PARKINSONISM, ADULT-ONSET. Identifiers: Orphanet 199351, MedGen C2751842, MONDO:0013060, OMIM 612953.
Infantile neuroaxonal dystrophy (NBIA2A). Also called: NEURODEGENERATION WITH BRAIN IRON ACCUMULATION 2A; Infantile neuroaxonal dystrophy 1; SEITELBERGER DISEASE. Identifiers: Orphanet 35069, MedGen C0270724, MONDO:0024457, OMIM 256600.
Neurodegeneration with brain iron accumulation 2B. Also called: NEUROAXONAL DYSTROPHY, ATYPICAL; NEURODEGENERATION WITH BRAIN IRON ACCUMULATION, PLA2G6-RELATED; aNAD; atypical Neuroaxonal Dystrophy (aNAD). Identifiers: Orphanet 35069, MedGen C1857747, MONDO:0012444, OMIM 610217.

Submissions (3):

Fulgent Genetics
Classification: Likely pathogenic for Infantile neuroaxonal dystrophy; Neurodegeneration with brain iron accumulation 2B; Autosomal recessive Parkinson disease 14. Last evaluated: 2024-05-04. Review status: criteria provided, single submitter. Criteria: ACMG Guidelines, 2015. Collection method: clinical testing. Allele origin: germline.

Women's Health and Genetics/Laboratory Corporation of America, LabCorp
Classification: Uncertain significance. Last evaluated: 2024-05-01. Review status: criteria provided, single submitter. Criteria: LabCorp Variant Classification Summary - May 2015. Collection method: clinical testing. Allele origin: germline.
Comment: Variant summary: PLA2G6 c.1612C>A (p.Arg538Ser) results in a non-conservative amino acid change located in the Patatin-like phospholipase domain (IPR002641) of the encoded protein sequence. Three of five in-silico tools predict a damaging effect of the variant on protein function. The variant was absent in 251132 control chromosomes. The available data on variant occurrences in the general population are insufficient to allow any conclusion about variant significance. To our knowledge, no occurrence of c.1612C>A in individuals affected with Neurodegeneration With Brain Iron Accumulation and no experimental evidence demonstrating its impact on protein function have been reported. ClinVar contains an entry for this variant (Variation ID: 809367). Based on the evidence outlined above, the variant was classified as uncertain significance.

CeGaT Center for Human Genetics Tuebingen
Classification: Likely pathogenic. Last evaluated: 2019-05-01. Review status: criteria provided, single submitter. Criteria: CeGaT Center For Human Genetics Tuebingen Variant Classification Criteria Version 2. Collection method: clinical testing. Allele origin: germline. Affected: yes. Observed: 2 variant alleles.

NM_003560.4(PLA2G6):c.1612C>A (p.Arg538Ser)

Gene: PLA2G6 (phospholipase A2 group VI; minus strand). Cytogenetic location: 22q13.1.
Variant type: single nucleotide variant.
Coding change: c.1612C>A on transcript NM_003560.4 (MANE Select); coding-DNA position 1612, C replaced by A.
Protein change: p.Arg538Ser; replaces arginine 538 with serine.
Molecular consequence: missense variant.
Genome position (GRCh38, 1-based): chr22:38,120,889, G>T on the plus strand (C>A on the coding strand, the complement: PLA2G6 is on the minus strand). VCF-style: chr22-38120889-G-T. GRCh37 (hg19) VCF-style: chr22-38516896-G-T.
Other names: c.1450C>A, p.Arg484Ser (NM_001004426.3, NM_001199562.3, NM_001349865.2 and 1 more transcripts); c.1612C>A, p.Arg538Ser (NM_001349864.2); c.1078C>A, p.Arg360Ser (NM_001349867.2); c.934C>A, p.Arg312Ser (NM_001349868.2); c.916C>A, p.Arg306Ser (NM_001349869.2); short protein forms R538S, R306S, R312S, R484S, R360S.
Identifiers: ClinVar variation 809367 (VCV000809367.44), dbSNP rs370691849, ClinGen allele CA411527652.
Genomic context (GRCh38, chr22:38,120,889, plus strand): 5'-CCGACTCGTAGGGCCTGGAGCCCCGGAACACCTCATCCTTCATGCGAAAGTACATGCCGC[G>T]CATGTAGGCCATGGACTTACCTAGGAACAAAGGGGTCAGAGGCGGGGAGATGCAGCGGCC-3'
Protein context (NP_003551.2, residues 528-548): ILHSKSMAYM[Arg538Ser]GMYFRMKDEV